The following is an entry in ClinVar:

ClinVar aggregate classification (germline): Pathogenic (1 of 4 stars; one submission).

Conditions:
Joubert syndrome. Also called: CEREBELLOPARENCHYMAL DISORDER IV; JOUBERT-BOLTSHAUSER SYNDROME; Familial aplasia of the vermis. Identifiers: Orphanet 475, MedGen C5979921, MONDO:0018772.

Allele frequency attached by ClinVar (database versions not stated): gnomAD exomes below 0.00001.

Submission:

Labcorp Genetics (formerly Invitae), Labcorp
Classification: Pathogenic for Joubert syndrome. Last evaluated: 2021-12-18. Review status: criteria provided, single submitter. Criteria: Invitae Variant Classification Sherloc (09022015). Collection method: clinical testing. Allele origin: germline.
Comment: This sequence change creates a premature translational stop signal (p.Ser1123Ilefs*7) in the AHI1 gene. It is expected to result in an absent or disrupted protein product. Loss-of-function variants in AHI1 are known to be pathogenic (PMID: 15322546, 16453322, 28442542, 29186038). This variant is not present in population databases (gnomAD no frequency). This variant has not been reported in the literature in individuals affected with AHI1-related conditions. For these reasons, this variant has been classified as Pathogenic.

Literature cited by the submitters: PubMed 15322546; PubMed 16453322; PubMed 28442542; PubMed 29186038.

NM_001134831.2(AHI1):c.3365dup (p.Ser1123fs)

Gene: AHI1 (Abelson helper integration site 1; minus strand). Cytogenetic location: 6q23.3.
Variant type: Duplication.
Coding change: c.3365dup on transcript NM_001134831.2 (MANE Select); coding-DNA position 3365, one base duplicated (G; older notation c.3365dupG).
Protein change: p.Ser1123fs; shifts the reading frame from serine 1123.
Molecular consequence: frameshift variant.
Genome position (GRCh38, 1-based): chr6:135,318,580, C duplicated on the plus strand (G on the coding strand, the reverse complement: AHI1 is on the minus strand). VCF-style (leftmost placement, unchanged base first): chr6-135318579-T-TC. GRCh37 (hg19) VCF-style: chr6-135639717-T-TC.
Other names: c.3365dup, p.Ser1123fs (NM_001134830.2, NM_001350503.2, NM_001350504.2 and 1 more transcripts); short protein forms S1123fs.
Identifiers: ClinVar variation 2046449 (VCV002046449.4), dbSNP rs771754539, ClinGen allele CA4012030.
Genomic context (GRCh38, chr6:135,318,579, plus strand): 5'-CTTTTGAGGAGCTGGAGATTTTTCTATTTTAGTTTTTTCCTCAGGGCTTAAAGGAGGGGA[T>TC]CGCTCCTTTATCTCAGGAGGCAGTTCTTGATACAGTGCTGAAATTGGAAAAAGGAATTCA-3'